The following is an entry in ClinVar:

NM_005477.3(HCN4):c.3361A>G (p.Arg1121Gly)

Gene: HCN4 (hyperpolarization activated cyclic nucleotide gated potassium channel 4; minus strand). Cytogenetic location: 15q24.1.
Variant type: single nucleotide variant.
Coding change: c.3361A>G on transcript NM_005477.3 (MANE Select); coding-DNA position 3361, A replaced by G.
Protein change: p.Arg1121Gly; replaces arginine 1121 with glycine.
Molecular consequence: missense variant.
Genome position (GRCh38, 1-based): chr15:73,322,732, T>C on the plus strand (A>G on the coding strand, the complement: HCN4 is on the minus strand). VCF-style: chr15-73322732-T-C. GRCh37 (hg19) VCF-style: chr15-73615073-T-C.
Other names: short protein forms R1121G.
Identifiers: ClinVar variation 3856992 (VCV003856992.1).
Genomic context (GRCh38, chr15:73,322,732, plus strand): 5'-GCCTCCCAGGGGGACCGAGGCCCCCGCTGCTCCCACTGCCCCCGCTGCCACCCCCAGCCC[T>C]GGGGAAGAGCGGGAAGGCAGCCATGGACTCCCCTGAGGAGTGCGGGGAGGCTCTGCGGAG-3'
Protein context (NP_005468.1, residues 1111-1131): ESMAAFPLFP[Arg1121Gly]AGGGSGGSGS

ClinVar aggregate classification (germline): Uncertain significance (1 of 4 stars; one submission).

Conditions:
Cardiovascular phenotype. Identifiers: MedGen CN230736.

Submission:

Ambry Genetics
Classification: Uncertain significance for Cardiovascular phenotype. Last evaluated: 2024-12-21. Review status: criteria provided, single submitter. Criteria: Ambry Variant Classification Scheme 2023. Collection method: clinical testing. Allele origin: germline.
Comment: The p.R1121G variant (also known as c.3361A>G), located in coding exon 8 of the HCN4 gene, results from an A to G substitution at nucleotide position 3361. The arginine at codon 1121 is replaced by glycine, an amino acid with dissimilar properties. This amino acid position is conserved. In addition, this alteration is predicted to be tolerated by in silico analysis. Based on the available evidence, the clinical significance of this variant remains unclear.